The following is an entry in ClinVar:

NM_006766.5(KAT6A):c.2278C>G (p.Leu760Val)

Gene: KAT6A (lysine acetyltransferase 6A; minus strand). Cytogenetic location: 8p11.21.
Variant type: single nucleotide variant.
Coding change: c.2278C>G on transcript NM_006766.5 (MANE Select); coding-DNA position 2278, C replaced by G.
Protein change: p.Leu760Val; replaces leucine 760 with valine.
Molecular consequence: missense variant.
Genome position (GRCh38, 1-based): chr8:41,942,951, G>C on the plus strand (C>G on the coding strand, the complement: KAT6A is on the minus strand). VCF-style: chr8-41942951-G-C. GRCh37 (hg19) VCF-style: chr8-41800469-G-C.
Other names: c.2278C>G, p.Leu760Val (NM_001305878.2); short protein forms L760V.
Identifiers: ClinVar variation 4755992 (VCV004755992.1).

ClinVar aggregate classification (germline): Uncertain significance (1 of 4 stars; one submission).

gnomAD v4.1: 1 of 1,614,064 alleles (0.000062%); highest among the groups gnomAD compares: African/African-American, 0.0013%; no homozygotes.

Submission:

GeneDx
Classification: Uncertain significance. Last evaluated: 2025-08-06. Review status: criteria provided, single submitter. Criteria: GeneDx Variant Classification Process June 2021. Collection method: clinical testing. Allele origin: germline. Affected: yes.
Comment: Not observed at significant frequency in large population cohorts (gnomAD); In silico analysis supports that this missense variant has a deleterious effect on protein structure/function; Has not been previously published as pathogenic or benign to our knowledge